The following is an entry in ClinVar:

ClinVar aggregate classification (germline): Likely benign (0 of 4 stars; one submission).

Conditions:
PLXNA3-related disorder. Also called: PLXNA3-related condition.

Allele frequency attached by ClinVar (database versions not stated): gnomAD exomes 0.00002; TOPMed 0.00012; gnomAD 0.00014; ExAC 0.00015; 1000 Genomes Project 30x 0.00042; 1000 Genomes Project 0.00053.
gnomAD v4.1: 50 of 1,189,868 alleles (0.0042%); highest among the groups gnomAD compares: East Asian, 0.083%; no homozygotes.

Submission:

PreventionGenetics, part of Exact Sciences
Classification: Likely benign for PLXNA3-related condition. Last evaluated: 2024-06-26. Review status: no assertion criteria provided. Collection method: clinical testing. Allele origin: germline.
Comment: This variant is classified as likely benign based on ACMG/AMP sequence variant interpretation guidelines (Richards et al. 2015 PMID: 25741868, with internal and published modifications).

NM_017514.5(PLXNA3):c.4698G>A (p.Gln1566=)

Gene: PLXNA3 (plexin A3; plus strand). Cytogenetic location: Xq28.
Variant type: single nucleotide variant.
Coding change: c.4698G>A on transcript NM_017514.5 (MANE Select); coding-DNA position 4698, G replaced by A.
Protein change: p.Gln1566=; no amino-acid change (glutamine 1566 retained).
Molecular consequence: synonymous variant.
Genome position (GRCh38, 1-based): chrX:154,469,482, G>A. VCF-style: chrX-154469482-G-A. GRCh37 (hg19) VCF-style: chrX-153697825-G-A.
Identifiers: ClinVar variation 2634199 (VCV002634199.2), dbSNP rs368269282, ClinGen allele CA10564926.